The following is an entry in ClinVar:

ClinVar aggregate classification (germline): Uncertain significance (1 of 4 stars; one submission).

Conditions:
Hereditary pancreatitis (PCTT). Also called: Hereditary chronic pancreatitis; PRSS1-Related Hereditary Pancreatitis. Identifiers: Orphanet 676, MedGen C0238339, MONDO:0008185, OMIM 167800.

Submission:

Ambry Genetics
Classification: Uncertain significance for Hereditary pancreatitis. Last evaluated: 2024-11-11. Review status: criteria provided, single submitter. Criteria: Ambry Variant Classification Scheme 2023. Collection method: clinical testing. Allele origin: germline.
Comment: The p.H76R variant (also known as c.227A>G), located in coding exon 3 of the PRSS1 gene, results from an A to G substitution at nucleotide position 227. The histidine at codon 76 is replaced by arginine, an amino acid with highly similar properties. This amino acid position is conserved. In addition, the in silico prediction for this alteration is inconclusive. Based on the available evidence, the clinical significance of this variant remains unclear.

NM_002769.5(PRSS1):c.227A>G (p.His76Arg)

Genes: TRB (T cell receptor beta locus; plus strand), PRSS1 (serine protease 1; plus strand). Cytogenetic location: 7q34.
Variant type: single nucleotide variant.
Coding change: c.227A>G on transcript NM_002769.5 (MANE Select); coding-DNA position 227, A replaced by G.
Protein change: p.His76Arg; replaces histidine 76 with arginine.
Molecular consequence: missense variant. On other transcripts: non-coding transcript variant (2).
Genome position (GRCh38, 1-based): chr7:142,751,800, A>G. VCF-style: chr7-142751800-A-G. GRCh37 (hg19) VCF-style: chr7-142459651-A-G.
Other names: short protein forms H76R.
Identifiers: ClinVar variation 3426343 (VCV003426343.1).